The following is an entry in ClinVar:

NM_003036.4(SKI):c.832dup (p.Ser278fs)

Gene: SKI (SKI proto-oncogene; plus strand). Cytogenetic location: 1p36.33.
Variant type: Duplication.
Coding change: c.832dup on transcript NM_003036.4 (MANE Select); coding-DNA position 832, one base duplicated (T; older notation c.832dupT).
Protein change: p.Ser278fs; shifts the reading frame from serine 278.
Molecular consequence: frameshift variant.
Genome position (GRCh38, 1-based): chr1:2,229,598, T duplicated. VCF-style (leftmost placement, unchanged base first): chr1-2229597-C-CT. GRCh37 (hg19) VCF-style: chr1-2161036-C-CT.
Other names: short protein forms S278fs.
Identifiers: ClinVar variation 3376870 (VCV003376870.1).

ClinVar aggregate classification (germline): Likely pathogenic (1 of 4 stars; one submission).

Conditions:
Neurodevelopmental disorder. Identifiers: MedGen C1535926, MeSH D065886, MONDO:0700092.

Submission:

Victorian Clinical Genetics Services, Murdoch Childrens Research Institute
Classification: Likely pathogenic for Neurodevelopmental disorder. Last evaluated: 2024-09-21. Review status: criteria provided, single submitter. Criteria: ACMG Guidelines, 2015. Collection method: clinical testing. Allele origin: germline. Inheritance: Autosomal dominant inheritance. Affected: yes.
Comment: Based on the classification scheme VCGS_Germline_v1.3.4, this variant is classified as Likely pathogenic. Following criteria are met: 0105 - The mechanism of disease for this gene is not clearly established. Missense variants suspected to have a dominant negative mechanism have been reported in individuals with Shprintzen-Goldberg syndrome (MIM#182212) (PMID: 23023332). Heterozygous variants resulting in a premature termination codon have been identified in individuals with milder intellectual disability (unpublished evidence obtained by personal communication). (I) 0107 - This gene is associated with autosomal dominant disease. (I) 0201 - Variant is predicted to cause nonsense-mediated decay (NMD) and loss of protein (premature termination codon is located at least 54 nucleotides upstream of the final exon-exon junction). (SP) 0251 - This variant is heterozygous. (I) 0301 - Variant is absent from gnomAD (both v2 and v3). (SP) 0704 - Other NMD-predicted variants comparable to the one identified in this case have limited previous evidence for pathogenicity. Two NMD-predicted variants have been reported as VUS and likely pathogenic by VCGS and were identified as inherited from an affected mother and de novo, respectively (VCGS internal cohort). NMD-predicted variants have been mainly reported as VUS, and one as pathogenic (with no further information), in individuals with features including global developmental delay, intellectual disability and nervous system abnormalities, many of which are de novo (ClinVar, DECIPHER). (SP) 0807 - This variant has no previous evidence of pathogenicity. (I) 0905 - No published segregation evidence has been identified for this variant. (I) 1007 - No published functional evidence has been identified for this variant. (I) 1208 - Inheritance information for this variant is not currently available in this individual. (I) Legend: (SP) - Supporting pathogenic, (I) - Information, (SB) - Supporting benign

Literature cited by the submitters: PubMed 23023332.